The following is an entry in ClinVar:

NM_004655.4(AXIN2):c.815+7C>T

Gene: AXIN2 (axin 2; minus strand). Cytogenetic location: 17q24.1.
Variant type: single nucleotide variant.
Coding change: c.815+7C>T on transcript NM_004655.4 (MANE Select); 7 bases into the intron after coding-DNA position 815, C replaced by T.
Molecular consequence: intron variant.
Genome position (GRCh38, 1-based): chr17:65,557,799, G>A on the plus strand (C>T on the coding strand, the complement: AXIN2 is on the minus strand). VCF-style: chr17-65557799-G-A. GRCh37 (hg19) VCF-style: chr17-63553917-G-A.
Other names: c.815+7C>T (LRG_296t1, NM_001363813.1).
Identifiers: ClinVar variation 240034 (VCV000240034.18), dbSNP rs142103235, ClinGen allele CA8718979.

ClinVar aggregate classification (germline): Conflicting classifications of pathogenicity. Review status: criteria provided, conflicting classifications (1 of 4 stars). 6 submissions from 6 submitters: Uncertain significance (1); Benign (1); Likely benign (3). 1 of the submissions does not count toward it. Last evaluated 2026-04-14.

Conditions:
AXIN2-related disorder.
Oligodontia-cancer predisposition syndrome. Also called: TOOTH AGENESIS-COLORECTAL CANCER SYNDROME. Identifiers: Orphanet 300576, MedGen C1837750, MONDO:0012075, OMIM 608615. Disease mechanism: loss of function.

Allele frequency attached by ClinVar (database versions not stated): gnomAD exomes 0.00001 and 0.00002; gnomAD 0.00025; ExAC 0.00002; TOPMed 0.00013; 1000 Genomes Project 30x 0.00031; 1000 Genomes Project 0.00040.
gnomAD v4.1: 43 of 1,614,066 alleles (0.0027%); highest among the groups gnomAD compares: African/African-American, 0.049%; no homozygotes.

Submissions (6):

Dasa
Classification: Uncertain significance. Last evaluated: 2026-04-14. Review status: criteria provided, single submitter. Criteria: DASA Assertion Criteria. Collection method: clinical testing. Allele origin: germline.
Comment: NM_004655.4(AXIN2):c.815+7C>T is a splice-region variant. This variant is rare in population databases. Computational prediction algorithms are consistent with a benign effect. The currently available literature and clinical evidence are not sufficient to establish a definitive association between this variant and the reported condition. Therefore, this variant is classified as a variant of uncertain significance.

Labcorp Genetics (formerly Invitae), Labcorp
Classification: Likely benign for Oligodontia-cancer predisposition syndrome. Last evaluated: 2026-01-27. Review status: criteria provided, single submitter. Criteria: Invitae Variant Classification Sherloc (09022015). Collection method: clinical testing. Allele origin: germline.

Myriad Genetics, Inc.
Classification: Likely benign for Oligodontia-cancer predisposition syndrome. Last evaluated: 2024-06-27. Review status: criteria provided, single submitter. Criteria: Myriad Autosomal Dominant, Autosomal Recessive and X-Linked Classification Criteria (2023). Collection method: clinical testing. Allele origin: unknown.
Comment: This variant is considered likely benign. This variant is intronic and is not expected to impact mRNA splicing.

Quest Diagnostics Nichols Institute San Juan Capistrano
Classification: Benign. Last evaluated: 2022-09-15. Review status: criteria provided, single submitter. Criteria: Quest Diagnostics criteria. Collection method: clinical testing. Allele origin: unknown.

GeneDx
Classification: Likely benign. Last evaluated: 2016-07-12. Review status: criteria provided, single submitter. Criteria: GeneDx Variant Classification (06012015). Collection method: clinical testing. Allele origin: germline. Affected: yes.
Comment: This variant is considered likely benign or benign based on one or more of the following criteria: it is a conservative change, it occurs at a poorly conserved position in the protein, it is predicted to be benign by multiple in silico algorithms, and/or has population frequency not consistent with disease.

PreventionGenetics, part of Exact Sciences
Classification: Likely benign for AXIN2-related condition. Last evaluated: 2023-05-22. Review status: no assertion criteria provided. Collection method: clinical testing. Allele origin: germline. Not counted in ClinVar's aggregate classification.
Comment: This variant is classified as likely benign based on ACMG/AMP sequence variant interpretation guidelines (Richards et al. 2015 PMID: 25741868, with internal and published modifications).